The following is an entry in ClinVar:

ClinVar aggregate classification (germline): Uncertain significance (1 of 4 stars; one submission).

Allele frequency attached by ClinVar (database versions not stated): gnomAD 0.00001; TOPMed 0.00001.
gnomAD v4.1: 3 of 1,613,520 alleles (0.00019%); highest among the groups gnomAD compares: Non-Finnish European, 0.00025%; no homozygotes.

Submission:

Labcorp Genetics (formerly Invitae), Labcorp
Classification: Uncertain significance. Last evaluated: 2023-08-24. Review status: criteria provided, single submitter. Criteria: Invitae Variant Classification Sherloc (09022015). Collection method: clinical testing. Allele origin: germline.
Comment: This variant has not been reported in the literature in individuals affected with DCHS1-related conditions. In summary, the available evidence is currently insufficient to determine the role of this variant in disease. Therefore, it has been classified as a Variant of Uncertain Significance. Advanced modeling of protein sequence and biophysical properties (such as structural, functional, and spatial information, amino acid conservation, physicochemical variation, residue mobility, and thermodynamic stability) performed at Invitae indicates that this missense variant is not expected to disrupt DCHS1 protein function. This variant is not present in population databases (gnomAD no frequency). This sequence change replaces serine, which is neutral and polar, with cysteine, which is neutral and slightly polar, at codon 306 of the DCHS1 protein (p.Ser306Cys).

NM_003737.4(DCHS1):c.917C>G (p.Ser306Cys)

Gene: DCHS1 (dachsous cadherin-related 1; minus strand). Cytogenetic location: 11p15.4.
Variant type: single nucleotide variant.
Coding change: c.917C>G on transcript NM_003737.4 (MANE Select); coding-DNA position 917, C replaced by G.
Protein change: p.Ser306Cys; replaces serine 306 with cysteine.
Molecular consequence: missense variant.
Genome position (GRCh38, 1-based): chr11:6,640,697, G>C on the plus strand (C>G on the coding strand, the complement: DCHS1 is on the minus strand). VCF-style: chr11-6640697-G-C. GRCh37 (hg19) VCF-style: chr11-6661928-G-C.
Other names: short protein forms S306C.
Identifiers: ClinVar variation 2993628 (VCV002993628.3), dbSNP rs1331983020, ClinGen allele CA379438785.
Genomic context (GRCh38, chr11:6,640,697, plus strand): 5'-CGCCGCTGCTCAAAGTCCAGTGGCCGCTCTAACTGCAGCAGCCCCGTGTGTGCGTCGATG[G>C]AGAAGGGTCCATCACCCTCGCTCTGCCTCCGGTTGATCTCGTAAGTCACAGCCCCATTGA-3'
Protein context (NP_003728.1, residues 296-316): RRQSEGDGPF[Ser306Cys]IDAHTGLLQL